The following is an entry in ClinVar:

ClinVar aggregate classification (germline): Pathogenic (1 of 4 stars; one submission).

Conditions:
Neurofibromatosis, type 1 (NF1). Also called: Peripheral type neurofibromatosis; VON RECKLINGHAUSEN DISEASE; Neurofibromatosis, type I; NEUROFIBROMATOSIS, TYPE I, SOMATIC. Identifiers: Orphanet 636, MedGen C0027831, MONDO:0018975, OMIM 162200. Disease mechanism: loss of function.

Submission:

Women's Health and Genetics/Laboratory Corporation of America, LabCorp
Classification: Pathogenic for Neurofibromatosis, type 1. Last evaluated: 2025-10-24. Review status: criteria provided, single submitter. Criteria: LabCorp Variant Classification Summary - May 2015. Collection method: clinical testing. Allele origin: germline.
Comment: Variant summary: NF1 c.3433_3434delAC (p.Thr1145GlyfsX49) results in a premature termination codon, predicted to cause absence of the protein due to nonsense mediated decay, which is a commonly known mechanism for disease. The variant was absent in 251374 control chromosomes. To our knowledge, no occurrence of c.3433_3434delAC in individuals affected with NF1-related conditions and no experimental evidence demonstrating its impact on protein function have been reported. No submitters have cited clinical-significance assessments for this variant to ClinVar. Based on the evidence outlined above, the variant was classified as pathogenic.

NM_001042492.3(NF1):c.3433_3434del (p.Thr1145fs)

Gene: NF1 (neurofibromin 1; plus strand). Cytogenetic location: 17q11.2.
Variant type: Deletion.
Coding change: c.3433_3434del on transcript NM_001042492.3 (MANE Select); coding-DNA positions 3433 to 3434, 2 bases deleted (AC; older notation c.3433_3434delAC).
Protein change: p.Thr1145fs; shifts the reading frame from threonine 1145.
Molecular consequence: frameshift variant.
Genome position (GRCh38, 1-based): chr17:31,232,818-31,232,819, AC deleted. VCF-style (leftmost placement, unchanged base first): chr17-31232817-TAC-T. GRCh37 (hg19) VCF-style: chr17-29559835-TAC-T.
Other names: c.3433_3434del, p.Thr1145fs (NM_000267.4); short protein forms T1145fs.
Identifiers: ClinVar variation 4687775 (VCV004687775.1).